The following is an entry in ClinVar:

NM_017780.4(CHD7):c.1175C>T (p.Ser392Phe)

Gene: CHD7 (chromodomain helicase DNA binding protein 7; plus strand). Cytogenetic location: 8q12.2.
Variant type: single nucleotide variant.
Coding change: c.1175C>T on transcript NM_017780.4 (MANE Select); coding-DNA position 1175, C replaced by T.
Protein change: p.Ser392Phe; replaces serine 392 with phenylalanine.
Molecular consequence: missense variant.
Genome position (GRCh38, 1-based): chr8:60,742,607, C>T. VCF-style: chr8-60742607-C-T. GRCh37 (hg19) VCF-style: chr8-61655166-C-T.
Other names: c.1175C>T, p.Ser392Phe (NM_001316690.1); short protein forms S392F.
Identifiers: ClinVar variation 656169 (VCV000656169.13), dbSNP rs373112189, ClinGen allele CA4759441.
Genomic context (GRCh38, chr8:60,742,607, plus strand): 5'-CACTTAACCAAATGAACACACAAACTATGCATCCTTCACAGCCTCAGGGAACTTATGCCT[C>T]TCCACCTCCCATGTCACCCATGAAAGCAATGAGTAATCCAGCAGGCACTCCTCCTCCACA-3'
Protein context (NP_060250.2, residues 382-402): HPSQPQGTYA[Ser392Phe]PPPMSPMKAM

ClinVar aggregate classification (germline): Benign/Likely benign. Review status: criteria provided, multiple submitters, no conflicts (2 of 4 stars). 5 submissions from 5 submitters: Benign (1); Likely benign (4). Last evaluated 2026-04-15.

Conditions:
CHD7-related disorder. Also called: CHD7-related condition.
Inborn genetic diseases. Identifiers: MedGen C0950123, MeSH D030342.
CHARGE syndrome (CHARGE). Also called: Coloboma, heart anomaly, choanal atresia, retardation, genital and ear anomalies; CHARGE association; Hall-Hittner syndrome; Hittner Hirsch Kreh syndrome; CHARGE ASSOCIATION--COLOBOMA, HEART ANOMALY, CHOANAL ATRESIA, RETARDATION, GENITAL AND EAR ANOMALIES. Identifiers: Orphanet 138, MedGen C0265354, MONDO:0008965.

Allele frequency attached by ClinVar (database versions not stated): gnomAD 0.00004 and 0.00005; gnomAD exomes 0.00004; ExAC 0.00005; TOPMed 0.00005; ESP Exome Variant Server 0.00016.
gnomAD v4.1: 134 of 1,613,246 alleles (0.0083%); highest among the groups gnomAD compares: Non-Finnish European, 0.011%; no homozygotes.

Submissions (5):

PreventionGenetics, part of Exact Sciences
Classification: Likely benign for CHD7-related condition. Last evaluated: 2026-04-15. Review status: criteria provided, single submitter. Criteria: ACMG Guidelines, 2015. Collection method: clinical testing. Allele origin: germline.
Comment: This variant is classified as likely benign based on ACMG/AMP sequence variant interpretation guidelines (Richards et al. 2015 PMID: 25741868, with internal and published modifications).

Labcorp Genetics (formerly Invitae), Labcorp
Classification: Benign for CHARGE syndrome. Last evaluated: 2025-06-30. Review status: criteria provided, single submitter. Criteria: Invitae Variant Classification Sherloc (09022015). Collection method: clinical testing. Allele origin: germline.

Blueprint Genetics
Classification: Likely benign. Last evaluated: 2024-09-09. Review status: criteria provided, single submitter. Criteria: ACMG Guidelines, 2015. Collection method: clinical testing. Allele origin: germline.

Ambry Genetics
Classification: Likely benign for Inborn genetic diseases. Last evaluated: 2022-03-07. Review status: criteria provided, single submitter. Criteria: Ambry Variant Classification Scheme 2023. Collection method: clinical testing. Allele origin: germline.

GeneDx
Classification: Likely benign. Last evaluated: 2019-01-29. Review status: criteria provided, single submitter. Criteria: GeneDx Variant Classification Process June 2021. Collection method: clinical testing. Allele origin: germline. Affected: yes.
Comment: This variant is associated with the following publications: (PMID: 25472840)